The following is an entry in ClinVar:

ClinVar aggregate classification (germline): Uncertain significance. Review status: criteria provided, multiple submitters, no conflicts (2 of 4 stars). 4 submissions from 4 submitters: Uncertain significance (4). Last evaluated 2025-03-14.

Conditions:
Left ventricular noncompaction 10 (LVNC10). Identifiers: Orphanet 154, Orphanet 54260, MedGen C3715165, MONDO:0014163, OMIM 615396.
Hypertrophic cardiomyopathy 4. Also called: Familial hypertrophic cardiomyopathy 4. Identifiers: MedGen C1861862, MONDO:0007268, OMIM 115197.
Hypertrophic cardiomyopathy. Also called: HYPERTROPHIC MYOCARDIOPATHY. Identifiers: Orphanet 217569, MedGen C0007194, MeSH D002312, MONDO:0005045, HP:0001639.

Allele frequency attached by ClinVar (database versions not stated): gnomAD exomes below 0.00001.
gnomAD v4.1: 1 of 1,611,466 alleles (0.000062%); highest among the groups gnomAD compares: Non-Finnish European, 0.000085%; no homozygotes.

Submissions (4):

Labcorp Genetics (formerly Invitae), Labcorp
Classification: Uncertain significance for Hypertrophic cardiomyopathy. Last evaluated: 2025-03-14. Review status: criteria provided, single submitter. Criteria: Invitae Variant Classification Sherloc (09022015). Collection method: clinical testing. Allele origin: germline.
Comment: This sequence change replaces glutamic acid, which is acidic and polar, with glycine, which is neutral and non-polar, at codon 413 of the MYBPC3 protein (p.Glu413Gly). This variant is not present in population databases (gnomAD no frequency). This missense change has been observed in individual(s) with hypertrophic cardiomyopathy (PMID: 33782553, 36136372). ClinVar contains an entry for this variant (Variation ID: 180926). An algorithm developed to predict the effect of missense changes on protein structure and function (PolyPhen-2) suggests that this variant is likely to be disruptive. In summary, the available evidence is currently insufficient to determine the role of this variant in disease. Therefore, it has been classified as a Variant of Uncertain Significance.

Fulgent Genetics
Classification: Uncertain significance for Hypertrophic cardiomyopathy 4; Left ventricular noncompaction 10. Last evaluated: 2021-10-29. Review status: criteria provided, single submitter. Criteria: ACMG Guidelines, 2015. Collection method: clinical testing. Allele origin: unknown.

GeneDx
Classification: Uncertain significance. Last evaluated: 2020-10-30. Review status: criteria provided, single submitter. Criteria: GeneDx Variant Classification Process June 2021. Collection method: clinical testing. Allele origin: germline. Affected: yes.
Comment: Observed in association with HCM in the published literature (Ho et al., 2018); Not observed in large population cohorts (Lek et al., 2016); In silico analysis supports that this missense variant has a deleterious effect on protein structure/function; This variant is associated with the following publications: (PMID: 30297972)

Stanford Center for Inherited Cardiovascular Disease, Stanford University
Classification: Uncertain significance. Last evaluated: 2014-07-22. Review status: criteria provided, single submitter. Criteria: ACMG Guidelines, 2015. Collection method: provider interpretation. Allele origin: germline.

Literature cited by the submitters: PubMed 33782553 (cited by Labcorp Genetics (formerly Invitae), Labcorp); PubMed 36136372 (cited by Labcorp Genetics (formerly Invitae), Labcorp).

NM_000256.3(MYBPC3):c.1238A>G (p.Glu413Gly)

Gene: MYBPC3 (myosin binding protein C3; minus strand). Cytogenetic location: 11p11.2.
Variant type: single nucleotide variant.
Coding change: c.1238A>G on transcript NM_000256.3 (MANE Select); coding-DNA position 1238, A replaced by G.
Protein change: p.Glu413Gly; replaces glutamic acid 413 with glycine.
Molecular consequence: missense variant.
Genome position (GRCh38, 1-based): chr11:47,343,134, T>C on the plus strand (A>G on the coding strand, the complement: MYBPC3 is on the minus strand). VCF-style: chr11-47343134-T-C. GRCh37 (hg19) VCF-style: chr11-47364685-T-C.
Other names: E413GGAG>GGG; c.1238A>G, p.Glu413Gly (LRG_386t1); short protein forms E413G.
Identifiers: ClinVar variation 180926 (VCV000180926.12), dbSNP rs730880532, ClinGen allele CA009969.